The following is an entry in ClinVar:

ClinVar aggregate classification (germline): Uncertain significance (1 of 4 stars; one submission).

gnomAD v4.1: 1 of 1,608,076 alleles (0.000062%); highest among the groups gnomAD compares: African/African-American, 0.0013%; no homozygotes.

Submissions (2):

Labcorp Genetics (formerly Invitae), Labcorp
Classification: Uncertain significance. Last evaluated: 2025-05-19. Review status: criteria provided, single submitter. Criteria: Invitae Variant Classification Sherloc (09022015). Collection method: clinical testing. Allele origin: germline.
Comment: This sequence change replaces methionine, which is neutral and non-polar, with arginine, which is basic and polar, at codon 617 of the TBCD protein (p.Met617Arg). This variant is not present in population databases (gnomAD no frequency). This variant has not been reported in the literature in individuals affected with TBCD-related conditions. ClinVar contains an entry for this variant (Variation ID: 3689595). Invitae Evidence Modeling of protein sequence and biophysical properties (such as structural, functional, and spatial information, amino acid conservation, physicochemical variation, residue mobility, and thermodynamic stability) indicates that this missense variant is not expected to disrupt TBCD protein function with a negative predictive value of 95%. In summary, the available evidence is currently insufficient to determine the role of this variant in disease. Therefore, it has been classified as a Variant of Uncertain Significance.

Dr. Peter K. Rogan Lab, Western University
No classification provided (evidence only). Condition: Thyroid cancer, nonmedullary, 1. Review status: no classification provided. Collection method: in vitro. Allele origin: not applicable. Functional consequence: retained intron. Not counted in ClinVar's aggregate classification.

NM_005993.5(TBCD):c.1850T>G (p.Met617Arg)

Gene: TBCD (tubulin folding cofactor D). Cytogenetic location: 17q25.3.
Variant type: single nucleotide variant.
Coding change: c.1850T>G on transcript NM_005993.5 (MANE Select); coding-DNA position 1850, T replaced by G.
Protein change: p.Met617Arg; replaces methionine 617 with arginine.
Molecular consequence: missense variant.
Genome position (GRCh38, 1-based): chr17:82,905,981, T>G. VCF-style: chr17-82905981-T-G. GRCh37 (hg19) VCF-style: chr17-80863857-T-G.
Other names: c.1769T>G, p.Met590Arg (NM_001411102.1); c.1799T>G, p.Met600Arg (NM_001411101.1); short protein forms M617R, M590R, M600R.
Identifiers: ClinVar variation 3689595 (VCV003689595.3).
Genomic context (GRCh38, chr17:82,905,981, plus strand): 5'-CCCTGTCTCTTGCAGTCTTCCCGAGGCTGCTGTCCATGACACTGAGTCCAGATCTTCACA[T>G]GAGGCATGGGTCGATTCTCGCCTGCGCAGAAGTTGCTTACGCCTTGTACAAACTTGCAGC-3'
Protein context (NP_005984.3, residues 607-627): LSMTLSPDLH[Met617Arg]RHGSILACAE